The following is an entry in ClinVar:

ClinVar aggregate classification (germline): Uncertain significance. Review status: criteria provided, multiple submitters, no conflicts (2 of 4 stars). 3 submissions from 3 submitters: Uncertain significance (3). Last evaluated 2025-08-05.

Conditions:
Inborn genetic diseases. Identifiers: MedGen C0950123, MeSH D030342.

Allele frequency attached by ClinVar (database versions not stated): gnomAD exomes 0.00004 and 0.00012; gnomAD 0.00005; TOPMed 0.00006; ExAC 0.00002; ESP Exome Variant Server 0.00015.
gnomAD v4.1: 177 of 1,614,082 alleles (0.011%); highest among the groups gnomAD compares: Non-Finnish European, 0.014%; no homozygotes.

Submissions (3):

Ambry Genetics
Classification: Uncertain significance for Inborn genetic diseases. Last evaluated: 2025-08-05. Review status: criteria provided, single submitter. Criteria: Ambry Variant Classification Scheme 2023. Collection method: clinical testing. Allele origin: germline.

Labcorp Genetics (formerly Invitae), Labcorp
Classification: Uncertain significance for Combined immunodeficiency due to DOCK8 deficiency. Last evaluated: 2024-10-07. Review status: criteria provided, single submitter. Criteria: Invitae Variant Classification Sherloc (09022015). Collection method: clinical testing. Allele origin: germline.
Comment: This sequence change replaces arginine, which is basic and polar, with tryptophan, which is neutral and slightly polar, at codon 1891 of the DOCK8 protein (p.Arg1891Trp). This variant is present in population databases (rs144951842, gnomAD 0.01%). This variant has not been reported in the literature in individuals affected with DOCK8-related conditions. ClinVar contains an entry for this variant (Variation ID: 1013866). Invitae Evidence Modeling of protein sequence and biophysical properties (such as structural, functional, and spatial information, amino acid conservation, physicochemical variation, residue mobility, and thermodynamic stability) has been performed for this missense variant. However, the output from this modeling did not meet the statistical confidence thresholds required to predict the impact of this variant on DOCK8 protein function. In summary, the available evidence is currently insufficient to determine the role of this variant in disease. Therefore, it has been classified as a Variant of Uncertain Significance.

Mayo Clinic Laboratories, Mayo Clinic
Classification: Uncertain significance. Last evaluated: 2023-09-18. Review status: criteria provided, single submitter. Criteria: ACMG Guidelines, 2015. Collection method: clinical testing. Allele origin: germline. Observed: 2 variant alleles.

NM_203447.4(DOCK8):c.5671C>T (p.Arg1891Trp)

Gene: DOCK8 (dedicator of cytokinesis 8; plus strand). Cytogenetic location: 9p24.3.
Variant type: single nucleotide variant.
Coding change: c.5671C>T on transcript NM_203447.4 (MANE Select); coding-DNA position 5671, C replaced by T.
Protein change: p.Arg1891Trp; replaces arginine 1891 with tryptophan.
Molecular consequence: missense variant.
Genome position (GRCh38, 1-based): chr9:446,460, C>T. VCF-style: chr9-446460-C-T. GRCh37 (hg19) VCF-style: chr9-446460-C-T.
Other names: p.Arg1891Trp; c.5671C>T (NM_203447.3); c.5371C>T, p.Arg1791Trp (NM_001190458.2); c.5467C>T, p.Arg1823Trp (NM_001193536.2); short protein forms R1791W, R1823W, R1891W.
Identifiers: ClinVar variation 1013866 (VCV001013866.10), dbSNP rs144951842, ClinGen allele CA4959506.